The following is an entry in ClinVar:

ClinVar aggregate classification (germline): Pathogenic (1 of 4 stars; one submission).

Conditions:
Marfan syndrome (MFS). Also called: Marfan syndrome type 1; Marfan's syndrome; FBN1-Related Marfan Syndrome; MARFAN SYNDROME, TYPE I; Marfan syndrome, classic. Identifiers: Orphanet 284963, Orphanet 558, MedGen C0024796, MONDO:0007947, OMIM 154700.

Submission:

Centre of Medical Genetics, University of Antwerp
Classification: Pathogenic for Marfan syndrome. Last evaluated: 2021-03-01. Review status: criteria provided, single submitter. Criteria: Submitter's publication. Collection method: research. Allele origin: unknown. Affected: yes.
Comment: PM2, PVS1, PP4

NM_000138.5(FBN1):c.1720del (p.Asp574fs)

Gene: FBN1 (fibrillin 1; minus strand). Cytogenetic location: 15q21.1.
Variant type: Deletion.
Coding change: c.1720del on transcript NM_000138.5 (MANE Select); coding-DNA position 1720, one base deleted (G; older notation c.1720delG).
Protein change: p.Asp574fs; shifts the reading frame from aspartic acid 574.
Molecular consequence: frameshift variant.
Genome position (GRCh38, 1-based): chr15:48,508,699, C deleted on the plus strand (G on the coding strand, the reverse complement: FBN1 is on the minus strand); the first of 2 consecutive C bases (chr15:48,508,699-48,508,700); deleting either gives the same sequence. VCF-style (leftmost placement, unchanged base first): chr15-48508698-TC-T. GRCh37 (hg19) VCF-style: chr15-48800895-TC-T.
Other names: c.1719delG, p.Asp574Metfs (NM_000138.4); c.1720del, p.Asp574fs (NM_001406716.1); short protein forms D574fs.
Identifiers: ClinVar variation 1325475 (VCV001325475.2), dbSNP rs2141321697, ClinGen allele CA2573150808.